The following is an entry in ClinVar:

NM_001358530.2(MOCS1):c.1414C>T (p.Pro472Ser)

Gene: MOCS1 (molybdenum cofactor synthesis 1; minus strand). Cytogenetic location: 6p21.2.
Variant type: single nucleotide variant.
Coding change: c.1414C>T on transcript NM_001358530.2 (MANE Select); coding-DNA position 1414, C replaced by T.
Protein change: p.Pro472Ser; replaces proline 472 with serine.
Molecular consequence: missense variant. On other transcripts: 3 prime UTR variant (4), non-coding transcript variant (1).
Genome position (GRCh38, 1-based): chr6:39,906,854, G>A on the plus strand (C>T on the coding strand, the complement: MOCS1 is on the minus strand). VCF-style: chr6-39906854-G-A. GRCh37 (hg19) VCF-style: chr6-39874630-G-A.
Other names: c.*271C>T (NM_001075098.4, NM_001358533.2, NM_001358534.2 and 1 more transcripts); c.1366C>T, p.Pro456Ser (NM_001358529.2); c.1153C>T, p.Pro385Ser (NM_001358531.2); short protein forms P456S, P472S, P385S.
Identifiers: ClinVar variation 2790364 (VCV002790364.3), dbSNP rs1207799425, ClinGen allele CA364040465.

ClinVar aggregate classification (germline): Uncertain significance (1 of 4 stars; one submission).

Conditions:
Sulfite oxidase deficiency due to molybdenum cofactor deficiency type A. Also called: Molybdenum cofactor deficiency, complementation group A; Molybdenum Cofactor Deficiency A. Identifiers: Orphanet 308386, Orphanet 833, MedGen C1854988, MONDO:0009643, OMIM 252150.

Allele frequency attached by ClinVar (database versions not stated): gnomAD 0.00001.
gnomAD v4.1: 2 of 1,614,076 alleles (0.00012%); highest among the groups gnomAD compares: East Asian, 0.0045%; no homozygotes.

Submission:

Labcorp Genetics (formerly Invitae), Labcorp
Classification: Uncertain significance for Sulfite oxidase deficiency due to molybdenum cofactor deficiency type A. Last evaluated: 2023-07-21. Review status: criteria provided, single submitter. Criteria: Invitae Variant Classification Sherloc (09022015). Collection method: clinical testing. Allele origin: germline.
Comment: This sequence change replaces proline, which is neutral and non-polar, with serine, which is neutral and polar, at codon 472 of the MOCS1 protein (p.Pro472Ser). This variant is present in population databases (no rsID available, gnomAD 0.02%). This variant has not been reported in the literature in individuals affected with MOCS1-related conditions. Algorithms developed to predict the effect of missense changes on protein structure and function output the following: SIFT: "Not Available"; PolyPhen-2: "Benign"; Align-GVGD: "Not Available". The serine amino acid residue is found in multiple mammalian species, which suggests that this missense change does not adversely affect protein function. In summary, the available evidence is currently insufficient to determine the role of this variant in disease. Therefore, it has been classified as a Variant of Uncertain Significance.